The following is an entry in ClinVar:

ClinVar aggregate classification (germline): Uncertain significance (1 of 4 stars; one submission).

Conditions:
Cardiovascular phenotype. Identifiers: MedGen CN230736.

Submission:

Ambry Genetics
Classification: Uncertain significance for Cardiovascular phenotype. Last evaluated: 2026-08-29. Review status: criteria provided, single submitter. Criteria: Ambry Variant Classification Scheme 2023. Collection method: clinical testing. Allele origin: germline.
Comment: The p.F1096S variant (also known as c.3287T>C), located in coding exon 26 of the ABCC9 gene, results from a T to C substitution at nucleotide position 3287. The phenylalanine at codon 1096 is replaced by serine, an amino acid with highly dissimilar properties. This amino acid position is conserved. In addition, this alteration is predicted to be deleterious by in silico analysis. Based on the available evidence, the clinical significance of this variant remains unclear.

NM_020297.4(ABCC9):c.3287T>C (p.Phe1096Ser)

Gene: ABCC9 (ATP binding cassette subfamily C member 9; minus strand). Cytogenetic location: 12p12.1.
Variant type: single nucleotide variant.
Coding change: c.3287T>C on transcript NM_020297.4 (MANE Select); coding-DNA position 3287, T replaced by C.
Protein change: p.Phe1096Ser; replaces phenylalanine 1096 with serine.
Molecular consequence: missense variant.
Genome position (GRCh38, 1-based): chr12:21,844,511, A>G on the plus strand (T>C on the coding strand, the complement: ABCC9 is on the minus strand). VCF-style: chr12-21844511-A-G. GRCh37 (hg19) VCF-style: chr12-21997445-A-G.
Other names: c.3287T>C, p.Phe1096Ser (NM_001377273.1, NM_005691.4); c.2420T>C, p.Phe807Ser (NM_001377274.1); short protein forms F1096S, F807S.
Identifiers: ClinVar variation 5025086 (VCV005025086.1).